The following is an entry in ClinVar:

NM_003076.5(SMARCD1):c.592G>A (p.Glu198Lys)

Gene: SMARCD1 (SWI/SNF related BAF chromatin remodeling complex subunit D1; plus strand). Cytogenetic location: 12q13.12.
Variant type: single nucleotide variant.
Coding change: c.592G>A on transcript NM_003076.5 (MANE Select); coding-DNA position 592, G replaced by A.
Protein change: p.Glu198Lys; replaces glutamic acid 198 with lysine.
Molecular consequence: missense variant.
Genome position (GRCh38, 1-based): chr12:50,087,423, G>A. VCF-style: chr12-50087423-G-A. GRCh37 (hg19) VCF-style: chr12-50481206-G-A.
Other names: c.592G>A, p.Glu198Lys (NM_139071.3); short protein forms E198K.
Identifiers: ClinVar variation 3897240 (VCV003897240.1).

ClinVar aggregate classification (germline): Pathogenic (1 of 4 stars; one submission).

Submission:

GeneDx
Classification: Pathogenic. Last evaluated: 2024-11-02. Review status: criteria provided, single submitter. Criteria: GeneDx Variant Classification Process June 2021. Collection method: clinical testing. Allele origin: germline. Affected: yes.
Comment: Identified in a cohort of pediatric patients with left ventricular hypertrabeculation; however, segregation and proband specific clinical information was not provided (PMID: 39457198); Not observed at significant frequency in large population cohorts (gnomAD); In silico analysis indicates that this missense variant does not alter protein structure/function; This variant is associated with the following publications: (PMID: 39457198)